The following is an entry in ClinVar:

ClinVar aggregate classification (germline): Uncertain significance. Review status: criteria provided, multiple submitters, no conflicts (2 of 4 stars). 3 submissions from 3 submitters: Uncertain significance (3). Last evaluated 2025-05-02.

Conditions:
Hereditary cancer-predisposing syndrome. Also called: Hereditary Cancer Syndrome; Hereditary neoplastic syndrome; Neoplastic Syndromes, Hereditary; Tumor predisposition. Identifiers: Orphanet 140162, MedGen C0027672, MeSH D009386, MONDO:0015356.
POLD1-related polyposis and colorectal cancer syndrome (CRCS10). Also called: Colorectal cancer, susceptibility to, 10; Colorectal cancer 10; COLORECTAL CANCER, SUSCEPTIBILITY TO, ON CHROMOSOME 19q. Identifiers: Orphanet 220460, MedGen C2675481, MONDO:0012953, OMIM 612591.

Allele frequency attached by ClinVar (database versions not stated): gnomAD exomes below 0.00001; gnomAD 0.00001.
gnomAD v4.1: 3 of 1,597,306 alleles (0.00019%); highest among the groups gnomAD compares: South Asian, 0.0033%; no homozygotes.

Submissions (3):

Ambry Genetics
Classification: Uncertain significance for Hereditary cancer-predisposing syndrome. Last evaluated: 2025-05-02. Review status: criteria provided, single submitter. Criteria: Ambry Variant Classification Scheme 2023. Collection method: clinical testing. Allele origin: germline.
Comment: The p.S314T variant (also known as c.941G>C), located in coding exon 7 of the POLD1 gene, results from a G to C substitution at nucleotide position 941. The serine at codon 314 is replaced by threonine, an amino acid with similar properties. This amino acid position is well conserved in available vertebrate species. In addition, the in silico prediction for this alteration is inconclusive. Since supporting evidence is limited at this time, the clinical significance of this alteration remains unclear.

Labcorp Genetics (formerly Invitae), Labcorp
Classification: Uncertain significance for POLD1-related polyposis and colorectal cancer syndrome. Last evaluated: 2025-04-06. Review status: criteria provided, single submitter. Criteria: Invitae Variant Classification Sherloc (09022015). Collection method: clinical testing. Allele origin: germline.
Comment: This sequence change replaces serine, which is neutral and polar, with threonine, which is neutral and polar, at codon 314 of the POLD1 protein (p.Ser314Thr). This variant is not present in population databases (gnomAD no frequency). This variant has not been reported in the literature in individuals affected with POLD1-related conditions. ClinVar contains an entry for this variant (Variation ID: 823242). Invitae Evidence Modeling of protein sequence and biophysical properties (such as structural, functional, and spatial information, amino acid conservation, physicochemical variation, residue mobility, and thermodynamic stability) indicates that this missense variant is expected to disrupt POLD1 protein function with a positive predictive value of 80%. In summary, the available evidence is currently insufficient to determine the role of this variant in disease. Therefore, it has been classified as a Variant of Uncertain Significance.

GeneDx
Classification: Uncertain significance. Last evaluated: 2021-06-23. Review status: criteria provided, single submitter. Criteria: GeneDx Variant Classification Process June 2021. Collection method: clinical testing. Allele origin: germline. Affected: yes.
Comment: Not observed at significant frequency in large population cohorts (Lek 2016); In silico analysis supports that this missense variant has a deleterious effect on protein structure/function; Has not been previously published as pathogenic or benign to our knowledge; This variant is associated with the following publications: (PMID: 20951805, 27535533)

NM_002691.4(POLD1):c.941G>C (p.Ser314Thr)

Gene: POLD1 (DNA polymerase delta 1, catalytic subunit; plus strand). Cytogenetic location: 19q13.33.
Variant type: single nucleotide variant.
Coding change: c.941G>C on transcript NM_002691.4 (MANE Select); coding-DNA position 941, G replaced by C.
Protein change: p.Ser314Thr; replaces serine 314 with threonine.
Molecular consequence: missense variant. On other transcripts: non-coding transcript variant (1).
Genome position (GRCh38, 1-based): chr19:50,402,712, G>C. VCF-style: chr19-50402712-G-C. GRCh37 (hg19) VCF-style: chr19-50905969-G-C.
Other names: c.941G>C, p.Ser314Thr (NM_001256849.1, NM_001308632.1); short protein forms S314T.
Identifiers: ClinVar variation 823242 (VCV000823242.9), dbSNP rs1601202823, ClinGen allele CA406977290.